The following is an entry in ClinVar:

ClinVar aggregate classification (germline): Uncertain significance (1 of 4 stars; one submission).

Conditions:
INVS-related disorder. Also called: INVS-related condition.

gnomAD v4.1: 1 of 1,614,188 alleles (0.000062%); highest among the groups gnomAD compares: Non-Finnish European, 0.000085%; no homozygotes.

Submission:

PreventionGenetics, part of Exact Sciences
Classification: Uncertain significance for INVS-related condition. Last evaluated: 2026-01-27. Review status: criteria provided, single submitter. Criteria: ACMG Guidelines, 2015. Collection method: clinical testing. Allele origin: germline.
Comment: The INVS c.37T>C variant is predicted to result in the amino acid substitution p.Ser13Pro. To our knowledge, this variant has not been reported in the literature. This variant is reported in 0.00088% of alleles in individuals of European (Non-Finnish) descent in gnomAD. At this time, the clinical significance of this variant is uncertain due to the absence of conclusive functional and genetic evidence.

NM_014425.5(INVS):c.37T>C (p.Ser13Pro)

Gene: INVS (inversin; plus strand). Cytogenetic location: 9q31.1.
Variant type: single nucleotide variant.
Coding change: c.37T>C on transcript NM_014425.5 (MANE Select); coding-DNA position 37, T replaced by C.
Protein change: p.Ser13Pro; replaces serine 13 with proline.
Molecular consequence: missense variant. On other transcripts: 5 prime UTR variant (2), non-coding transcript variant (1).
Genome position (GRCh38, 1-based): chr9:100,104,558, T>C. VCF-style: chr9-100104558-T-C. GRCh37 (hg19) VCF-style: chr9-102866840-T-C.
Other names: c.-340T>C (NM_001318381.2); c.-953T>C (NM_001318382.2); short protein forms S13P.
Identifiers: ClinVar variation 4995450 (VCV004995450.1).